The following is an entry in ClinVar:

NM_018706.7(DHTKD1):c.2572+1G>A

Gene: DHTKD1 (dehydrogenase E1 and transketolase domain containing 1; plus strand). Cytogenetic location: 10p14.
Variant type: single nucleotide variant.
Coding change: c.2572+1G>A on transcript NM_018706.7 (MANE Select); the canonical splice donor site of the intron after coding-DNA position 2572, G replaced by A.
Molecular consequence: splice donor variant.
Genome position (GRCh38, 1-based): chr10:12,118,919, G>A. VCF-style: chr10-12118919-G-A. GRCh37 (hg19) VCF-style: chr10-12160918-G-A.
Other names: c.2572+1G>A (NM_018706.6).
Identifiers: ClinVar variation 2164699 (VCV002164699.3), dbSNP rs776390640, ClinGen allele CA5408300.
Genomic context (GRCh38, chr10:12,118,919, plus strand): 5'-TCTGCCCCTTCCCGTTGGATTCTTTACAGCAAGAGATGAGCAAATACAAACATGTTAAAG[G>A]TAAGAGGTTGTTCTCATTTGGGTTTTGATGTTCAGATACCCAAAACCCATTTCAGCTCTT-3'

ClinVar aggregate classification (germline): Likely pathogenic. Review status: criteria provided, multiple submitters, no conflicts (2 of 4 stars). 2 submissions from 2 submitters: Likely pathogenic (2). Last evaluated 2023-10-29.

Conditions:
DHTKD1-related disorder. Also called: DHTKD1-related condition.
2-aminoadipic 2-oxoadipic aciduria (AAKAD). Also called: ALPHA-AMINOADIPIC AND ALPHA-KETOADIPIC ACIDURIA; Aminoadipic aciduria. Identifiers: Orphanet 79154, MedGen C1859817, MONDO:0008774, OMIM 204750.

Allele frequency attached by ClinVar (database versions not stated): gnomAD exomes 0.00002.
gnomAD v4.1: 27 of 1,538,992 alleles (0.0018%); highest among the groups gnomAD compares: East Asian, 0.0024%; no homozygotes.

Submissions (2):

Labcorp Genetics (formerly Invitae), Labcorp
Classification: Likely pathogenic for 2-aminoadipic 2-oxoadipic aciduria. Last evaluated: 2023-10-29. Review status: criteria provided, single submitter. Criteria: Invitae Variant Classification Sherloc (09022015). Collection method: clinical testing. Allele origin: germline.
Comment: This sequence change affects a donor splice site in intron 15 of the DHTKD1 gene. It is expected to disrupt RNA splicing. Variants that disrupt the donor or acceptor splice site typically lead to a loss of protein function (PMID: 16199547), and loss-of-function variants in DHTKD1 are known to be pathogenic (PMID: 23141293, 25860818). This variant is present in population databases (rs776390640, gnomAD 0.005%). This variant has not been reported in the literature in individuals affected with DHTKD1-related conditions. ClinVar contains an entry for this variant (Variation ID: 2164699). Algorithms developed to predict the effect of sequence changes on RNA splicing suggest that this variant may disrupt the consensus splice site. In summary, the currently available evidence indicates that the variant is pathogenic, but additional data are needed to prove that conclusively. Therefore, this variant has been classified as Likely Pathogenic.

PreventionGenetics, part of Exact Sciences
Classification: Likely pathogenic for DHTKD1-related condition. Last evaluated: 2023-09-18. Review status: criteria provided, single submitter. Criteria: ACMG Guidelines, 2015. Collection method: clinical testing. Allele origin: germline.
Comment: The DHTKD1 c.2572+1G>A variant is predicted to disrupt the GT donor site and interfere with normal splicing. To our knowledge this variant has not been reported in the literature. This variant is reported in 0.0045% of alleles in individuals of European (Non-Finnish) descent in gnomAD. Variants that disrupt the consensus splice donor site in DHTKD1 are expected to be pathogenic (see, for example, Hagen et al. 2015. PubMed ID: 25860818). This variant is interpreted as likely pathogenic.

Literature cited by the submitters: PubMed 16199547 (cited by Labcorp Genetics (formerly Invitae), Labcorp); PubMed 23141293 (cited by Labcorp Genetics (formerly Invitae), Labcorp); PubMed 25860818 (cited by Labcorp Genetics (formerly Invitae), Labcorp).